The following is an entry in ClinVar:

NM_002691.4(POLD1):c.1242+3G>A

Gene: POLD1 (DNA polymerase delta 1, catalytic subunit; plus strand). Cytogenetic location: 19q13.33.
Variant type: single nucleotide variant.
Coding change: c.1242+3G>A on transcript NM_002691.4 (MANE Select); 3 bases into the intron after coding-DNA position 1242, G replaced by A.
Molecular consequence: intron variant.
Genome position (GRCh38, 1-based): chr19:50,403,600, G>A. VCF-style: chr19-50403600-G-A. GRCh37 (hg19) VCF-style: chr19-50906857-G-A.
Other names: c.1242+3G>A (NM_001256849.1, NM_001308632.1).
Identifiers: ClinVar variation 1758507 (VCV001758507.9), dbSNP rs2513977781, ClinGen allele CA2580097601.

ClinVar aggregate classification (germline): Conflicting classifications of pathogenicity. Review status: criteria provided, conflicting classifications (1 of 4 stars). 3 submissions from 3 submitters: Uncertain significance (2); Likely benign (1). Last evaluated 2026-03-17.

Conditions:
POLD1-related polyposis and colorectal cancer syndrome (CRCS10). Also called: COLORECTAL CANCER, SUSCEPTIBILITY TO, ON CHROMOSOME 19q; Colorectal cancer 10; Colorectal cancer, susceptibility to, 10. Identifiers: Orphanet 220460, MedGen C2675481, MONDO:0012953, OMIM 612591.
Hereditary cancer-predisposing syndrome. Also called: Neoplastic Syndromes, Hereditary; Tumor predisposition; Hereditary neoplastic syndrome; Hereditary Cancer Syndrome. Identifiers: Orphanet 140162, MedGen C0027672, MeSH D009386, MONDO:0015356.

Submissions (3):

Ambry Genetics
Classification: Uncertain significance for Hereditary cancer-predisposing syndrome. Last evaluated: 2026-03-17. Review status: criteria provided, single submitter. Criteria: Ambry Variant Classification Scheme 2023. Collection method: clinical testing. Allele origin: germline.
Comment: The c.1242+3G>A intronic variant results from a G to A substitution 3 nucleotides after coding exon 9 in the POLD1 gene. This nucleotide position is not well conserved in available vertebrate species. In silico splice site analysis predicts that this alteration will not have any significant effect on splicing. Based on the available evidence, the clinical significance of this variant remains unclear.

Myriad Genetics, Inc.
Classification: Likely benign for POLD1-related polyposis and colorectal cancer syndrome. Last evaluated: 2025-02-05. Review status: criteria provided, single submitter. Criteria: Myriad Autosomal Dominant, Autosomal Recessive and X-Linked Classification Criteria (2023). Collection method: clinical testing. Allele origin: unknown.
Comment: This variant is considered likely benign. This variant is intronic and is not expected to impact mRNA splicing.

Labcorp Genetics (formerly Invitae), Labcorp
Classification: Uncertain significance for POLD1-related polyposis and colorectal cancer syndrome. Last evaluated: 2022-09-15. Review status: criteria provided, single submitter. Criteria: Invitae Variant Classification Sherloc (09022015). Collection method: clinical testing. Allele origin: germline.
Comment: This sequence change falls in intron 10 of the POLD1 gene. It does not directly change the encoded amino acid sequence of the POLD1 protein. It affects a nucleotide within the consensus splice site. In summary, the available evidence is currently insufficient to determine the role of this variant in disease. Therefore, it has been classified as a Variant of Uncertain Significance. Variants that disrupt the consensus splice site are a relatively common cause of aberrant splicing (PMID: 17576681, 9536098). Algorithms developed to predict the effect of sequence changes on RNA splicing suggest that this variant is not likely to affect RNA splicing. This variant has not been reported in the literature in individuals affected with POLD1-related conditions. This variant is not present in population databases (gnomAD no frequency).

Literature cited by the submitters: PubMed 17576681 (cited by Labcorp Genetics (formerly Invitae), Labcorp); PubMed 9536098 (cited by Labcorp Genetics (formerly Invitae), Labcorp).